The following is an entry in ClinVar:

NM_006514.4(SCN10A):c.2186G>A (p.Trp729Ter)

Gene: SCN10A (sodium voltage-gated channel alpha subunit 10; minus strand). Cytogenetic location: 3p22.2.
Variant type: single nucleotide variant.
Coding change: c.2186G>A on transcript NM_006514.4 (MANE Select); coding-DNA position 2186, G replaced by A.
Protein change: p.Trp729Ter; replaces tryptophan 729 with a stop codon.
Molecular consequence: nonsense.
Genome position (GRCh38, 1-based): chr3:38,739,609, C>T on the plus strand (G>A on the coding strand, the complement: SCN10A is on the minus strand). VCF-style: chr3-38739609-C-T. GRCh37 (hg19) VCF-style: chr3-38781100-C-T.
Other names: c.2186G>A, p.Trp729Ter (NM_001293306.2); c.1892G>A, p.Trp631Ter (NM_001293307.2); short protein forms W631*, W729*.
Identifiers: ClinVar variation 1061119 (VCV001061119.5), dbSNP rs2126012533, ClinGen allele CA352164430.

ClinVar aggregate classification (germline): Uncertain significance (1 of 4 stars; one submission).

Conditions:
Brugada syndrome. Also called: Sudden unexplained nocturnal death syndrome; Sudden unexpected nocturnal death syndrome; Sudden Unexplained Death Syndrome; Sudden Unexplained Nocturnal Death Syndrome (SUNDS). Identifiers: Orphanet 130, MedGen C1142166, MONDO:0015263.

Submission:

Labcorp Genetics (formerly Invitae), Labcorp
Classification: Uncertain significance for Brugada syndrome. Last evaluated: 2020-09-08. Review status: criteria provided, single submitter. Criteria: Invitae Variant Classification Sherloc (09022015). Collection method: clinical testing. Allele origin: germline.
Comment: This sequence change creates a premature translational stop signal (p.Trp729*) in the SCN10A gene. It is expected to result in an absent or disrupted protein product. This variant is not present in population databases (ExAC no frequency). This variant has not been reported in the literature in individuals with SCN10A-related conditions. The current clinical and genetic evidence is not sufficient to establish whether loss-of-function variants in SCN10A cause disease. In summary, the available evidence is currently insufficient to determine the role of this variant in disease. Therefore, it has been classified as a Variant of Uncertain Significance.